The following is an entry in ClinVar:

ClinVar aggregate classification (germline): Uncertain significance (1 of 4 stars; one submission).

Conditions:
Severe combined immunodeficiency due to IKK2 deficiency. Also called: Immunodeficiency 15; IMMUNODEFICIENCY 15B. Identifiers: Orphanet 397787, MedGen C4747743, MONDO:0014267, OMIM 615592.

gnomAD v4.1: 1 of 1,614,186 alleles (0.000062%); highest among the groups gnomAD compares: Non-Finnish European, 0.000085%; no homozygotes.

Submission:

Labcorp Genetics (formerly Invitae), Labcorp
Classification: Uncertain significance for Severe combined immunodeficiency due to IKK2 deficiency. Last evaluated: 2024-02-17. Review status: criteria provided, single submitter. Criteria: Invitae Variant Classification Sherloc (09022015). Collection method: clinical testing. Allele origin: germline.
Comment: This sequence change replaces arginine, which is basic and polar, with threonine, which is neutral and polar, at codon 339 of the IKBKB protein (p.Arg339Thr). This variant is present in population databases (no rsID available, gnomAD 0.0009%). This variant has not been reported in the literature in individuals affected with IKBKB-related conditions. Advanced modeling of protein sequence and biophysical properties (such as structural, functional, and spatial information, amino acid conservation, physicochemical variation, residue mobility, and thermodynamic stability) performed at Invitae indicates that this missense variant is not expected to disrupt IKBKB protein function with a negative predictive value of 95%. In summary, the available evidence is currently insufficient to determine the role of this variant in disease. Therefore, it has been classified as a Variant of Uncertain Significance.

NM_001556.3(IKBKB):c.1016G>C (p.Arg339Thr)

Gene: IKBKB (inhibitor of nuclear factor kappa B kinase subunit beta; plus strand). Cytogenetic location: 8p11.21.
Variant type: single nucleotide variant.
Coding change: c.1016G>C on transcript NM_001556.3 (MANE Select); coding-DNA position 1016, G replaced by C.
Protein change: p.Arg339Thr; replaces arginine 339 with threonine.
Molecular consequence: missense variant. On other transcripts: non-coding transcript variant (3).
Genome position (GRCh38, 1-based): chr8:42,316,795, G>C. VCF-style: chr8-42316795-G-C. GRCh37 (hg19) VCF-style: chr8-42174313-G-C.
Other names: c.824G>C, p.Arg275Thr (NM_001190720.3); c.839G>C, p.Arg280Thr (NM_001242778.2); short protein forms R275T, R280T, R339T.
Identifiers: ClinVar variation 3662147 (VCV003662147.2).